The following is an entry in ClinVar:

NM_001040108.2(MLH3):c.2496C>A (p.Phe832Leu)

Gene: MLH3 (mutL homolog 3; minus strand). Cytogenetic location: 14q24.3.
Variant type: single nucleotide variant.
Coding change: c.2496C>A on transcript NM_001040108.2 (MANE Select); coding-DNA position 2496, C replaced by A.
Protein change: p.Phe832Leu; replaces phenylalanine 832 with leucine.
Molecular consequence: missense variant.
Genome position (GRCh38, 1-based): chr14:75,047,160, G>T on the plus strand (C>A on the coding strand, the complement: MLH3 is on the minus strand). VCF-style: chr14-75047160-G-T. GRCh37 (hg19) VCF-style: chr14-75513863-G-T.
Other names: c.2496C>A, p.Phe832Leu (NM_014381.3); short protein forms F832L.
Identifiers: ClinVar variation 2813472 (VCV002813472.4), dbSNP rs2503268787, ClinGen allele CA390440174.

ClinVar aggregate classification (germline): Conflicting classifications of pathogenicity. Review status: criteria provided, conflicting classifications (1 of 4 stars). 2 submissions from 2 submitters: Uncertain significance (1); Likely benign (1). Last evaluated 2025-11-12.

Conditions:
Colorectal cancer, hereditary nonpolyposis, type 7. Identifiers: Orphanet 144, MedGen C1858380, MONDO:0013725, OMIM 614385.

Submissions (2):

Ambry Genetics
Classification: Likely benign. Last evaluated: 2025-11-12. Review status: criteria provided, single submitter. Criteria: Ambry Variant Classification Scheme 2023. Collection method: clinical testing. Allele origin: germline.

Labcorp Genetics (formerly Invitae), Labcorp
Classification: Uncertain significance for Colorectal cancer, hereditary nonpolyposis, type 7. Last evaluated: 2022-11-10. Review status: criteria provided, single submitter. Criteria: Invitae Variant Classification Sherloc (09022015). Collection method: clinical testing. Allele origin: germline.
Comment: This sequence change replaces phenylalanine, which is neutral and non-polar, with leucine, which is neutral and non-polar, at codon 832 of the MLH3 protein (p.Phe832Leu). This variant is not present in population databases (gnomAD no frequency). This variant has not been reported in the literature in individuals affected with MLH3-related conditions. Algorithms developed to predict the effect of missense changes on protein structure and function output the following: SIFT: "Tolerated"; PolyPhen-2: "Benign"; Align-GVGD: "Class C0". The leucine amino acid residue is found in multiple mammalian species, which suggests that this missense change does not adversely affect protein function. In summary, the available evidence is currently insufficient to determine the role of this variant in disease. Therefore, it has been classified as a Variant of Uncertain Significance.